The following is an entry in ClinVar:

NM_153717.3(EVC):c.48_55del (p.Gly17fs)

Gene: EVC (EvC ciliary complex subunit 1; plus strand). Cytogenetic location: 4p16.2.
Variant type: Deletion.
Coding change: c.48_55del on transcript NM_153717.3 (MANE Select); coding-DNA positions 48 to 55, 8 bases deleted (GGGGCGGG; older notation c.48_55delGGGGCGGG).
Protein change: p.Gly17fs; shifts the reading frame from glycine 17.
Molecular consequence: frameshift variant.
Genome position (GRCh38, 1-based): chr4:5,711,428-5,711,435, GGGGCGGG deleted. VCF-style (leftmost placement, unchanged base first): chr4-5711427-TGGGGCGGG-T. GRCh37 (hg19) VCF-style: chr4-5713154-TGGGGCGGG-T.
Other names: c.48_55del, p.Gly17fs (NM_001306090.2, NM_001306092.2); short protein forms G17fs.
Identifiers: ClinVar variation 1726283 (VCV001726283.2), dbSNP rs2474193269, ClinGen allele CA2580070802.

ClinVar aggregate classification (germline): Likely pathogenic (1 of 4 stars; one submission).

Conditions:
Ellis-van Creveld syndrome (EVC). Also called: EVC-Related Ellis-van Creveld Syndrome; EVC2-Related Ellis-van Creveld Syndrome; MESOECTODERMAL DYSPLASIA; Chondroectodermal dysplasia. Identifiers: Orphanet 289, MedGen C0013903, MONDO:0009162, OMIM 225500.

Submission:

Myriad Genetics, Inc.
Classification: Likely pathogenic for Ellis-van Creveld syndrome. Last evaluated: 2021-12-10. Review status: criteria provided, single submitter. Criteria: Myriad Women's Health Autosomal Recessive and X-Linked Classification Criteria (2021). Collection method: clinical testing. Allele origin: unknown.
Comment: NM_153717.2(EVC):c.48_55del8(G17Rfs*53) is expected to be pathogenic in the context of EVC-related Ellis-van Creveld syndrome. This variant is predicted to lead to an abnormal or absent protein product due to the creation of a premature termination codon in EVC, a gene where loss-of-function variants are known to be pathogenic. Please note: this variant was assessed in the context of healthy population screening.